The following is an entry in ClinVar:

ClinVar aggregate classification (germline): Conflicting classifications of pathogenicity. Review status: criteria provided, conflicting classifications (1 of 4 stars). 2 submissions from 2 submitters: Uncertain significance (1); Likely benign (1). Last evaluated 2020-01-14.

Conditions:
Cardiovascular phenotype. Identifiers: MedGen CN230736.

Allele frequency attached by ClinVar (database versions not stated): TOPMed 0.00001; ExAC 0.00002; gnomAD exomes 0.00002 and 0.00004.
gnomAD v4.1: 51 of 1,613,638 alleles (0.0032%); highest among the groups gnomAD compares: Admixed American, 0.005%; no homozygotes.

Submissions (2):

Ambry Genetics
Classification: Uncertain significance for Cardiovascular phenotype. Last evaluated: 2020-01-14. Review status: criteria provided, single submitter. Criteria: Ambry Variant Classification Scheme 2023. Collection method: clinical testing. Allele origin: germline.
Comment: The p.I18668T variant (also known as c.56003T>C), located in coding exon 153 of the TTN gene, results from a T to C substitution at nucleotide position 56003. The isoleucine at codon 18668 is replaced by threonine, an amino acid with similar properties. This amino acid position is highly conserved in available vertebrate species. In addition, the in silico prediction for this alteration is inconclusive. Since supporting evidence is limited at this time, the clinical significance of this alteration remains unclear.

GeneDx
Classification: Likely benign. Last evaluated: 2018-05-02. Review status: criteria provided, single submitter. Criteria: GeneDx Variant Classification (06012015). Collection method: clinical testing. Allele origin: germline. Affected: yes.
Comment: This variant is considered likely benign or benign based on one or more of the following criteria: it is a conservative change, it occurs at a poorly conserved position in the protein, it is predicted to be benign by multiple in silico algorithms, and/or has population frequency not consistent with disease.

NM_001267550.2(TTN):c.83198T>C (p.Ile27733Thr)

Genes: TTN (titin; minus strand), TTN-AS1 (TTN antisense RNA 1; plus strand). Cytogenetic location: 2q31.2.
Variant type: single nucleotide variant.
Coding change: c.83198T>C on transcript NM_001267550.2 (MANE Select); coding-DNA position 83198, T replaced by C.
Protein change: p.Ile27733Thr; replaces isoleucine 27733 with threonine.
Molecular consequence: missense variant.
Genome position (GRCh38, 1-based): chr2:178,562,934, A>G on the plus strand (T>C on the coding strand, the complement: TTN is on the minus strand). VCF-style: chr2-178562934-A-G. GRCh37 (hg19) VCF-style: chr2-179427661-A-G.
Other names: c.78275T>C, p.Ile26092Thr (NM_001256850.1); c.56003T>C, p.Ile18668Thr (NM_003319.4); c.75494T>C, p.Ile25165Thr (NM_133378.4); c.56378T>C, p.Ile18793Thr (NM_133432.3); c.56579T>C, p.Ile18860Thr (NM_133437.4); short protein forms I26092T, I18668T, I18860T, I27733T, I18793T, I25165T.
Identifiers: ClinVar variation 678317 (VCV000678317.3), dbSNP rs759928014, ClinGen allele CA1988958.